The following is an entry in ClinVar:

NM_001127898.4(CLCN5):c.1A>G (p.Met1Val)

Gene: CLCN5 (Cl-/H+ antiporter 5; plus strand). Cytogenetic location: Xp11.23.
Variant type: single nucleotide variant.
Coding change: c.1A>G on transcript NM_001127898.4 (MANE Select); coding-DNA position 1, A replaced by G.
Protein change: p.Met1Val; changes the start codon (methionine 1).
Molecular consequence: missense variant, initiator codon variant.
Genome position (GRCh38, 1-based): chrX:49,925,299, A>G. VCF-style: chrX-49925299-A-G. GRCh37 (hg19) VCF-style: chrX-49689909-A-G.
Other names: c.1A>G, p.Met1Val (NM_001127899.4, NM_001272102.2); short protein forms M1V.
Identifiers: ClinVar variation 1805878 (VCV001805878.2), dbSNP rs2519188777, ClinGen allele CA413175949.
Genomic context (GRCh38, chrX:49,925,299, plus strand): 5'-AACTGAGAGGCTCTGGGAAACTCAGCCTGTGACCCCAGCGTGGGTGAAGATAGGATCAAG[A>G]TGGCCATGTGGCAGGGTAAGAAATTAGCACTTATTCTTCTAACTGGTTTTTCCTCCTACT-3'
Protein context (NP_001121370.1, residues 1-11): [Met1Val]AMWQGAMDNR

ClinVar aggregate classification (germline): Uncertain significance (1 of 4 stars; one submission).

Conditions:
Dent disease type 1 (DENT1). Also called: NEPHROLITHIASIS 2; NEPHROLITHIASIS, HYPERCALCIURIC, X-LINKED. Identifiers: Orphanet 1652, Orphanet 93622, MedGen C1848336, MONDO:0010225, OMIM 300009.

Submission:

Victorian Clinical Genetics Services, Murdoch Childrens Research Institute
Classification: Uncertain significance for Dent disease type 1. Last evaluated: 2021-05-06. Review status: criteria provided, single submitter. Criteria: ACMG Guidelines, 2015. Collection method: clinical testing. Allele origin: germline. Inheritance: X-linked recessive inheritance.
Comment: Based on the classification scheme VCGS_Germline_v1.3.4, this variant is classified as VUS-3B. The following criteria are met: 0102 - Loss of function is a known mechanism of disease in this gene and is associated with Dent disease (MIM#300009), hypophosphatemic rickets (MIM#300554), nephrolithiasis type I (MIM#310468) and low molecular weight proteinuria with hypercalciuria and nephrocalcinosis (MIM#308990). (I) 0109 - This gene is associated with X-linked recessive disease. (I) 0115 - Variants in this gene are known to have variable expressivity, with intra- and inter-familial phenotypic variability previously reported (PMID: 28580211, OMIM). (I) 0207 - Variant is predicted to result in a loss of the canonical translation initiation codon (ATG) however, CLCN5 has alternative 5’UTR exons which results in multiple transcripts and isoforms with alternative start sites (PMID: 25001568). (I) 0251 - This variant is heterozygous. (I) 0301 - Variant is absent from gnomAD (both v2 and v3). (SP) 0807 - This variant has no previous evidence of pathogenicity. (I) 0905 - No published segregation evidence has been identified for this variant. (I) 1007 - No published functional evidence has been identified for this variant. (I) 0705 - No other start-loss variants have previous evidence for pathogenicity. (I) Legend: (SP) - Supporting pathogenic, (I) - Information, (SB) - Supporting benign

Literature cited by the submitters: PubMed 25001568; PubMed 28580211.